The following is an entry in ClinVar:

ClinVar aggregate classification (germline): Uncertain significance (1 of 4 stars; one submission).

Conditions:
Epidermolysis bullosa simplex 3, localized or generalized intermediate, with BP230 deficiency (EBS3). Also called: Epidermolysis bullosa simplex due to BP230 deficiency; Epidermolysis bullosa simplex, autosomal recessive 2. Identifiers: Orphanet 412181, MedGen C3809470, MONDO:0014180, OMIM 615425.
Hereditary sensory and autonomic neuropathy type 6. Also called: HSAN VI; Neuropathy, hereditary sensory and autonomic, type VI. Identifiers: Orphanet 314381, MedGen C3539003, MONDO:0013839, OMIM 614653.

Allele frequency attached by ClinVar (database versions not stated): ExAC 0.00001.

Submission:

Labcorp Genetics (formerly Invitae), Labcorp
Classification: Uncertain significance for Epidermolysis bullosa simplex 3, localized or generalized intermediate, with BP230 deficiency; Hereditary sensory and autonomic neuropathy type 6. Last evaluated: 2020-03-14. Review status: criteria provided, single submitter. Criteria: Invitae Variant Classification Sherloc (09022015). Collection method: clinical testing. Allele origin: germline.
Comment: In summary, the available evidence is currently insufficient to determine the role of this variant in disease. Therefore, it has been classified as a Variant of Uncertain Significance. Experimental studies and prediction algorithms are not available or were not evaluated, and the functional significance of this variant is currently unknown. This variant has not been reported in the literature in individuals with DST-related conditions. This variant is present in population databases (rs745957733, ExAC 0.001%). This sequence change replaces methionine with threonine at codon 2113 of the DST protein (p.Met2113Thr). The methionine residue is moderately conserved and there is a moderate physicochemical difference between the two amino acids. The DST gene has multiple clinically relevant transcripts. This variant occurs in alternate transcript NM_015548.4, and corresponds to NM_001723.5:c.*54106T>C in the primary transcript.

NM_001374736.1(DST):c.14207T>C (p.Met4736Thr)

Genes: DST (dystonin; minus strand), LOC129389544 (MPRA-validated peak5860 silencer; plus strand). Cytogenetic location: 6p12.1.
Variant type: single nucleotide variant.
Coding change: c.14207T>C on transcript NM_001374736.1 (MANE Select); coding-DNA position 14207, T replaced by C.
Protein change: p.Met4736Thr; replaces methionine 4736 with threonine.
Molecular consequence: missense variant.
Genome position (GRCh38, 1-based): chr6:56,561,411, A>G on the plus strand (T>C on the coding strand, the complement: DST is on the minus strand). VCF-style: chr6-56561411-A-G. GRCh37 (hg19) VCF-style: chr6-56426209-A-G.
Other names: c.7850T>C, p.Met2617Thr (NM_001144769.5); c.7436T>C, p.Met2479Thr (NM_001144770.2); c.14207T>C, p.Met4736Thr (NM_001374722.1); c.13574T>C, p.Met4525Thr (NM_001374729.1); c.7316T>C, p.Met2439Thr (NM_001374730.1, NM_001386100.1, NM_183380.4); c.14234T>C, p.Met4745Thr (NM_001374734.1); c.6338T>C, p.Met2113Thr (NM_015548.5); short protein forms M2113T, M2439T, M2479T, M2617T, M4525T, M4736T, M4745T.
Identifiers: ClinVar variation 1056016 (VCV001056016.7), dbSNP rs745957733, ClinGen allele CA3868073.